The following is an entry in ClinVar:

ClinVar aggregate classification (germline): Uncertain significance. Review status: criteria provided, single submitter (1 of 4 stars). 2 submissions from 2 submitters: Uncertain significance (1). 1 of the submissions does not count toward it. Last evaluated 2022-02-04.

Conditions:
ALG6-congenital disorder of glycosylation 1C (CDG1C). Also called: CARBOHYDRATE-DEFICIENT GLYCOPROTEIN SYNDROME, TYPE I, WITH DEFICIENT GLYCOSYLATION OF DOLICHOL-LINKED OLIGOSACCHARIDE; CARBOHYDRATE-DEFICIENT GLYCOPROTEIN SYNDROME, TYPE V; Congenital disorder of glycosylation type 1C; Congenital disorder of glycosylation, type Ic; CDG Ic. Identifiers: Orphanet 79320, MedGen C2930997, MONDO:0011291, OMIM 603147.

Allele frequency attached by ClinVar (database versions not stated): gnomAD exomes 0.00001 and 0.00002; ExAC 0.00002; TOPMed 0.00003; gnomAD 0.00004; 1000 Genomes Project 30x 0.00016; 1000 Genomes Project 0.00020.

Submissions (2):

Labcorp Genetics (formerly Invitae), Labcorp
Classification: Uncertain significance for ALG6-congenital disorder of glycosylation 1C. Last evaluated: 2022-02-04. Review status: criteria provided, single submitter. Criteria: Invitae Variant Classification Sherloc (09022015). Collection method: clinical testing. Allele origin: germline.
Comment: This sequence change affects the initiator methionine of the ALG6 mRNA. The next in-frame methionine is located at codon 7. This variant is present in population databases (rs562934427, gnomAD 0.004%). Disruption of the initiator codon has been observed in individual(s) with clinical features of congenital disorders of glycosylation (PMID: 28139241). ClinVar contains an entry for this variant (Variation ID: 554144). Experimental studies and prediction algorithms are not available or were not evaluated, and the functional significance of this variant is currently unknown. In summary, the available evidence is currently insufficient to determine the role of this variant in disease. Therefore, it has been classified as a Variant of Uncertain Significance.

Counsyl
Classification: Likely pathogenic for ALG6-congenital disorder of glycosylation 1C. Last evaluated: 2017-09-28. Review status: no assertion criteria provided. Collection method: clinical testing. Allele origin: unknown. Not counted in ClinVar's aggregate classification.

Literature cited by the submitters: PubMed 28139241 (cited by Labcorp Genetics (formerly Invitae), Labcorp).

NM_013339.4(ALG6):c.1A>G (p.Met1Val)

Gene: ALG6 (ALG6 alpha-1,3-glucosyltransferase; plus strand). Cytogenetic location: 1p31.3.
Variant type: single nucleotide variant.
Coding change: c.1A>G on transcript NM_013339.4 (MANE Select); coding-DNA position 1, A replaced by G.
Protein change: p.Met1Val; changes the start codon (methionine 1).
Molecular consequence: missense variant, initiator codon variant.
Genome position (GRCh38, 1-based): chr1:63,370,978, A>G. VCF-style: chr1-63370978-A-G. GRCh37 (hg19) VCF-style: chr1-63836649-A-G.
Other names: c.1A>G, p.Met1Val (LRG_1260t1); short protein forms M1V.
Identifiers: ClinVar variation 554144 (VCV000554144.5), dbSNP rs562934427, ClinGen allele CA888015.